The following is an entry in ClinVar:

NM_000642.3(AGL):c.-69+11G>C

Gene: AGL (amylo-alpha-1,6-glucosidase and 4-alpha-glucanotransferase; plus strand). Cytogenetic location: 1p21.2.
Variant type: single nucleotide variant.
Coding change: c.-69+11G>C on transcript NM_000642.3 (MANE Select); 11 bases into the intron after 69 bases upstream of the start codon, G replaced by C.
Molecular consequence: intron variant.
Genome position (GRCh38, 1-based): chr1:99,850,426, G>C. VCF-style: chr1-99850426-G-C. GRCh37 (hg19) VCF-style: chr1-100315982-G-C.
Identifiers: ClinVar variation 389194 (VCV000389194.1), dbSNP rs1057523356, ClinGen allele CA16603775.

ClinVar aggregate classification (germline): Likely benign (1 of 4 stars; one submission).

Allele frequency attached by ClinVar (database versions not stated): gnomAD 0.00001 and 0.00003; TOPMed 0.00001; 1000 Genomes Project 30x 0.00031.

Submission:

GeneDx
Classification: Likely benign. Last evaluated: 2016-09-26. Review status: criteria provided, single submitter. Criteria: GeneDx Variant Classification (06012015). Collection method: clinical testing. Allele origin: germline. Affected: yes.
Comment: This variant is considered likely benign or benign based on one or more of the following criteria: it is a conservative change, it occurs at a poorly conserved position in the protein, it is predicted to be benign by multiple in silico algorithms, and/or has population frequency not consistent with disease.